The following is an entry in ClinVar:

NM_016065.4(MRPS16):c.238G>A (p.Gly80Arg)

Genes: DNAJC9-AS1 (DNAJC9 and MRPS16 antisense RNA 1; plus strand), MRPS16 (mitochondrial ribosomal protein S16; minus strand). Cytogenetic location: 10q22.2.
Variant type: single nucleotide variant.
Coding change: c.238G>A on transcript NM_016065.4 (MANE Select); coding-DNA position 238, G replaced by A.
Protein change: p.Gly80Arg; replaces glycine 80 with arginine.
Molecular consequence: missense variant.
Genome position (GRCh38, 1-based): chr10:73,251,799, C>T on the plus strand (G>A on the coding strand, the complement: MRPS16 is on the minus strand). VCF-style: chr10-73251799-C-T. GRCh37 (hg19) VCF-style: chr10-75011557-C-T.
Other names: c.238G>A, p.Gly80Arg (NM_001410935.1); c.238G>A (NM_016065.3); short protein forms G80R.
Identifiers: ClinVar variation 2414090 (VCV002414090.8), dbSNP rs142389124, ClinGen allele CA5553381.

ClinVar aggregate classification (germline): Uncertain significance. Review status: criteria provided, multiple submitters, no conflicts (2 of 4 stars). 3 submissions from 3 submitters: Uncertain significance (3). Last evaluated 2023-11-22.

Conditions:
Combined oxidative phosphorylation defect type 2. Also called: CORPUS CALLOSUM, AGENESIS OF, WITH DYSMORPHISM AND FATAL LACTIC ACIDOSIS. Identifiers: Orphanet 254920, MedGen C1864843, MONDO:0012510, OMIM 610498.

Allele frequency attached by ClinVar (database versions not stated): TOPMed 0.00004; gnomAD 0.00005; ESP Exome Variant Server 0.00008; ExAC 0.00011.

Submissions (3):

Ambry Genetics
Classification: Uncertain significance. Last evaluated: 2023-11-22. Review status: criteria provided, single submitter. Criteria: Ambry Variant Classification Scheme 2023. Collection method: clinical testing. Allele origin: germline.

Labcorp Genetics (formerly Invitae), Labcorp
Classification: Uncertain significance. Last evaluated: 2022-10-21. Review status: criteria provided, single submitter. Criteria: Invitae Variant Classification Sherloc (09022015). Collection method: clinical testing. Allele origin: germline.
Comment: In summary, the available evidence is currently insufficient to determine the role of this variant in disease. Therefore, it has been classified as a Variant of Uncertain Significance. Algorithms developed to predict the effect of missense changes on protein structure and function are either unavailable or do not agree on the potential impact of this missense change (SIFT: "Deleterious"; PolyPhen-2: "Possibly Damaging"; Align-GVGD: "Class C15"). This variant has not been reported in the literature in individuals affected with MRPS16-related conditions. This variant is present in population databases (rs142389124, gnomAD 0.06%). This sequence change replaces glycine, which is neutral and non-polar, with arginine, which is basic and polar, at codon 80 of the MRPS16 protein (p.Gly80Arg).

Baylor Genetics
Classification: Uncertain significance for Combined oxidative phosphorylation defect type 2. Last evaluated: 2022-06-30. Review status: criteria provided, single submitter. Criteria: ACMG Guidelines, 2015. Collection method: clinical testing. Allele origin: unknown.